The following is an entry in ClinVar:

ClinVar aggregate classification (germline): Uncertain significance (1 of 4 stars; one submission).

Submission:

GeneDx
Classification: Uncertain significance. Last evaluated: 2024-07-23. Review status: criteria provided, single submitter. Criteria: GeneDx Variant Classification Process June 2021. Collection method: clinical testing. Allele origin: germline. Affected: yes.
Comment: Not observed at significant frequency in large population cohorts (gnomAD); Has not been previously published as pathogenic or benign to our knowledge; Frameshift variant predicted to result in protein truncation or nonsense mediated decay in a gene for which loss-of-function is not a known mechanism of disease

NM_001206641.3(COA6):c.239dup (p.Ser81fs)

Gene: COA6 (cytochrome c oxidase assembly factor 6; plus strand). Cytogenetic location: 1q42.2.
Variant type: Duplication.
Coding change: c.239dup on transcript NM_001206641.3 (MANE Select); coding-DNA position 239, one base duplicated (C; older notation c.239dupC).
Protein change: p.Ser81fs; shifts the reading frame from serine 81.
Molecular consequence: frameshift variant.
Genome position (GRCh38, 1-based): chr1:234,374,256, C duplicated; the last of 4 consecutive C bases (chr1:234,374,253-234,374,256); duplicating any one gives the same sequence. VCF-style (leftmost placement, unchanged base first): chr1-234374252-G-GC. GRCh37 (hg19) VCF-style: chr1-234509998-G-GC.
Other names: c.149dup, p.Ser51fs (NM_001012985.2); c.11dup, p.Ser5fs (NM_001301733.1); short protein forms S51fs, S5fs, S81fs.
Identifiers: ClinVar variation 3600787 (VCV003600787.1).